The following is an entry in ClinVar:

NM_000548.5(TSC2):c.3838C>T (p.Gln1280Ter)

Gene: TSC2 (TSC complex subunit 2; plus strand). Cytogenetic location: 16p13.3.
Variant type: single nucleotide variant.
Coding change: c.3838C>T on transcript NM_000548.5 (MANE Select); coding-DNA position 3838, C replaced by T.
Protein change: p.Gln1280Ter; replaces glutamine 1280 with a stop codon.
Molecular consequence: nonsense. On other transcripts: non-coding transcript variant (1), intron variant (33).
Genome position (GRCh38, 1-based): chr16:2,082,459, C>T. VCF-style: chr16-2082459-C-T. GRCh37 (hg19) VCF-style: chr16-2132460-C-T.
Other names: c.3106C>T, p.Gln1036Ter (NM_001318831.2); c.3706C>T, p.Gln1236Ter (NM_001370404.1, NM_001406665.1); c.3709C>T, p.Gln1237Ter (NM_001370405.1, NM_021055.3); c.3835C>T, p.Gln1279Ter (NM_001406663.1); c.3238C>T, p.Gln1080Ter (NM_001406680.1); c.2365C>T, p.Gln789Ter (NM_001406690.1); c.2362C>T, p.Gln788Ter (NM_001406691.1); c.2341+661C>T (NM_001406693.1, NM_001406692.1, NM_001406694.1); and 25 more; short protein forms Q1036*, Q1080*, Q1236*, Q1237*, Q1279*, Q1280*, Q788*, Q789*.
Identifiers: ClinVar variation 3772024 (VCV003772024.14).

ClinVar aggregate classification (germline): Conflicting classifications of pathogenicity. Review status: criteria provided, conflicting classifications (1 of 4 stars). 2 submissions from 2 submitters: Pathogenic (1); Uncertain significance (1). Last evaluated 2024-12-01.

Submissions (2):

CeGaT Center for Human Genetics Tuebingen
Classification: Pathogenic. Last evaluated: 2024-12-01. Review status: criteria provided, single submitter. Criteria: CeGaT Center For Human Genetics Tuebingen Variant Classification Criteria Version 2. Collection method: clinical testing. Allele origin: germline. Affected: yes. Observed: 1 variant allele.
Comment: TSC2: PVS1, PM2

Blueprint Genetics
Classification: Uncertain significance. Last evaluated: 2017-12-19. Review status: criteria provided, single submitter. Criteria: ACMG Guidelines, 2015. Collection method: clinical testing. Allele origin: germline.